The following is an entry in ClinVar:

NM_001377458.1(CLCC1):c.811T>C (p.Ser271Pro)

Gene: CLCC1 (chloride channel CLIC like 1; minus strand). Cytogenetic location: 1p13.3.
Variant type: single nucleotide variant.
Coding change: c.811T>C on transcript NM_001377458.1 (MANE Select); coding-DNA position 811, T replaced by C.
Protein change: p.Ser271Pro; replaces serine 271 with proline.
Molecular consequence: missense variant. On other transcripts: non-coding transcript variant (1), intron variant (1).
Genome position (GRCh38, 1-based): chr1:108,940,128, A>G on the plus strand (T>C on the coding strand, the complement: CLCC1 is on the minus strand). VCF-style: chr1-108940128-A-G. GRCh37 (hg19) VCF-style: chr1-109482750-A-G.
Other names: c.811T>C, p.Ser271Pro (NM_001048210.3, NM_001377459.1, NM_001377460.1 and 8 more transcripts); c.448T>C, p.Ser150Pro (NM_001278202.2); c.709T>C, p.Ser237Pro (NM_001377469.1); c.520T>C, p.Ser174Pro (NM_001377470.1); c.661T>C, p.Ser221Pro (NM_015127.5); c.340-346T>C (NM_001278203.1); short protein forms S271P, S150P, S237P, S221P, S174P.
Identifiers: ClinVar variation 1420762 (VCV001420762.6), dbSNP rs2101639776, ClinGen allele CA341460637.

ClinVar aggregate classification (germline): Uncertain significance (1 of 4 stars; one submission).

Submission:

Labcorp Genetics (formerly Invitae), Labcorp
Classification: Uncertain significance. Last evaluated: 2024-02-24. Review status: criteria provided, single submitter. Criteria: Invitae Variant Classification Sherloc (09022015). Collection method: clinical testing. Allele origin: germline.
Comment: This sequence change replaces serine, which is neutral and polar, with proline, which is neutral and non-polar, at codon 271 of the CLCC1 protein (p.Ser271Pro). This variant is not present in population databases (gnomAD no frequency). This variant has not been reported in the literature in individuals affected with CLCC1-related conditions. ClinVar contains an entry for this variant (Variation ID: 1420762). An algorithm developed to predict the effect of missense changes on protein structure and function (PolyPhen-2) suggests that this variant is likely to be disruptive. In summary, the available evidence is currently insufficient to determine the role of this variant in disease. Therefore, it has been classified as a Variant of Uncertain Significance.